The following is an entry in ClinVar:

ClinVar aggregate classification (germline): Uncertain significance (1 of 4 stars; one submission).

Allele frequency attached by ClinVar (database versions not stated): gnomAD exomes below 0.00001; ExAC 0.00001.
gnomAD v4.1: 5 of 1,614,058 alleles (0.00031%); highest among the groups gnomAD compares: Admixed American, 0.0017%; no homozygotes.

Submission:

Mayo Clinic Laboratories, Mayo Clinic
Classification: Uncertain significance. Last evaluated: 2022-02-15. Review status: criteria provided, single submitter. Criteria: ACMG Guidelines, 2015. Collection method: clinical testing. Allele origin: germline. Observed: 1 variant allele.
Comment: PP3

NM_152564.5(VPS13B):c.5864T>C (p.Phe1955Ser)

Gene: VPS13B (vacuolar protein sorting 13 homolog B; plus strand). Cytogenetic location: 8q22.2.
Variant type: single nucleotide variant.
Coding change: c.5864T>C on transcript NM_152564.5 (MANE Select); coding-DNA position 5864, T replaced by C.
Protein change: p.Phe1955Ser; replaces phenylalanine 1955 with serine.
Molecular consequence: missense variant.
Genome position (GRCh38, 1-based): chr8:99,642,454, T>C. VCF-style: chr8-99642454-T-C. GRCh37 (hg19) VCF-style: chr8-100654682-T-C.
Other names: p.Phe1980Ser; c.5939T>C, p.Phe1980Ser (NM_017890.5); short protein forms F1955S, F1980S.
Identifiers: ClinVar variation 2683025 (VCV002683025.1), dbSNP rs768962852, ClinGen allele CA4823883.
Genomic context (GRCh38, chr8:99,642,454, plus strand): 5'-CCCAGCCTTCCTTGCTTCTGAGTTGTCACCACAGAAAGCAGCGAGTGGAAGTATCCATTT[T>C]TGATGCTGTGCTTAAAGGGGTGGCCTCTGATTACAAATGTATAGGTAAGAACCTTCAAAC-3'
Protein context (NP_689777.3, residues 1945-1965): HRKQRVEVSI[Phe1955Ser]DAVLKGVASD